The following is an entry in ClinVar:

ClinVar aggregate classification (germline): Benign/Likely benign. Review status: criteria provided, multiple submitters, no conflicts (2 of 4 stars). 3 submissions from 3 submitters: Benign (2); Likely benign (1). Last evaluated 2026-01-11.

Conditions:
Sengers syndrome. Also called: Cardiomyopathy and cataract; MITOCHONDRIAL DNA DEPLETION SYNDROME 10 (CARDIOMYOPATHIC TYPE). Identifiers: Orphanet 1369, MedGen C1859317, MONDO:0008922, OMIM 212350.
Cataract 38. Also called: Cataract, autosomal recessive congenital 5; Cataract 38, autosomal recessive. Identifiers: Orphanet 91492, MedGen C3553494, MONDO:0013859, OMIM 614691.

Allele frequency attached by ClinVar (database versions not stated): gnomAD exomes 0.00057; ExAC 0.00070; 1000 Genomes Project 30x 0.00156; 1000 Genomes Project 0.00180; gnomAD 0.00216 and 0.00235; TOPMed 0.00241; ESP Exome Variant Server 0.00292.
gnomAD v4.1: 613 of 1,594,378 alleles (0.038%); highest among the groups gnomAD compares: African/African-American, 0.7%; 4 homozygotes.

Submissions (3):

Labcorp Genetics (formerly Invitae), Labcorp
Classification: Benign for Sengers syndrome; Cataract 38. Last evaluated: 2026-01-11. Review status: criteria provided, single submitter. Criteria: Invitae Variant Classification Sherloc (09022015). Collection method: clinical testing. Allele origin: germline.

Blueprint Genetics
Classification: Likely benign. Last evaluated: 2024-10-11. Review status: criteria provided, single submitter. Criteria: ACMG Guidelines, 2015. Collection method: clinical testing. Allele origin: germline.

GeneDx
Classification: Benign. Last evaluated: 2014-06-24. Review status: criteria provided, single submitter. Criteria: GeneDx Variant Classification (06012015). Collection method: clinical testing. Allele origin: germline. Affected: yes.
Comment: This variant is considered likely benign or benign based on one or more of the following criteria: it is a conservative change, it occurs at a poorly conserved position in the protein, it is predicted to be benign by multiple in silico algorithms, and/or has population frequency not consistent with disease.

NM_018238.4(AGK):c.518+18G>A

Gene: AGK (acylglycerol kinase; plus strand). Cytogenetic location: 7q34.
Variant type: single nucleotide variant.
Coding change: c.518+18G>A on transcript NM_018238.4 (MANE Select); 18 bases into the intron after coding-DNA position 518, G replaced by A.
Molecular consequence: intron variant.
Genome position (GRCh38, 1-based): chr7:141,615,583, G>A. VCF-style: chr7-141615583-G-A. GRCh37 (hg19) VCF-style: chr7-141315383-G-A.
Other names: c.518+18G>A (NM_001364948.3).
Identifiers: ClinVar variation 214066 (VCV000214066.10), dbSNP rs192082201, ClinGen allele CA322048.